The following is an entry in ClinVar:

ClinVar aggregate classification (germline): Uncertain significance (1 of 4 stars; one submission).

Conditions:
Hereditary spastic paraplegia 57. Also called: Spastic paraplegia 57, autosomal recessive. Identifiers: Orphanet 431329, MedGen C3714897, MONDO:0014295, OMIM 615658.
Hereditary motor and sensory neuropathy, Okinawa type (HMSNO). Also called: HEREDITARY MOTOR AND SENSORY NEUROPATHY, PROXIMAL TYPE. Identifiers: Orphanet 90117, MedGen C1858338, MONDO:0011468, OMIM 604484.
Inborn genetic diseases. Identifiers: MedGen C0950123, MeSH D030342.

Allele frequency attached by ClinVar (database versions not stated): gnomAD exomes below 0.00001.
gnomAD v4.1: 2 of 1,611,656 alleles (0.00012%); highest among the groups gnomAD compares: Non-Finnish European, 0.00017%; no homozygotes.

Submission:

Ambry Genetics
Classification: Uncertain significance for Inborn genetic diseases. Last evaluated: 2021-07-11. Review status: criteria provided, single submitter. Criteria: Ambry Variant Classification Scheme 2023. Collection method: clinical testing. Allele origin: germline.
Comment: The p.Q101R variant (also known as c.302A>G), located in coding exon 3 of the TFG gene, results from an A to G substitution at nucleotide position 302. The glutamine at codon 101 is replaced by arginine, an amino acid with highly similar properties. This amino acid position is conserved. In addition, the in silico prediction for this alteration is inconclusive. Since supporting evidence is limited at this time, the clinical significance of this alteration remains unclear.

NM_006070.6(TFG):c.302A>G (p.Gln101Arg)

Gene: TFG (trafficking from ER to golgi regulator; plus strand). Cytogenetic location: 3q12.2.
Variant type: single nucleotide variant.
Coding change: c.302A>G on transcript NM_006070.6 (MANE Select); coding-DNA position 302, A replaced by G.
Protein change: p.Gln101Arg; replaces glutamine 101 with arginine.
Molecular consequence: missense variant.
Genome position (GRCh38, 1-based): chr3:100,728,745, A>G. VCF-style: chr3-100728745-A-G. GRCh37 (hg19) VCF-style: chr3-100447589-A-G.
Other names: c.302A>G, p.Gln101Arg (NM_001007565.2, NM_001195478.2, NM_001195479.2); short protein forms Q101R.
Identifiers: ClinVar variation 684501 (VCV000684501.4), dbSNP rs1576366326, ClinGen allele CA353842264.